The following is an entry in ClinVar:

NM_000322.5(PRPH2):c.113del (p.Gly38fs)

Gene: PRPH2 (peripherin 2; minus strand). Cytogenetic location: 6p21.1.
Variant type: Deletion.
Coding change: c.113del on transcript NM_000322.5 (MANE Select); coding-DNA position 113, one base deleted (G; older notation c.113delG).
Protein change: p.Gly38fs; shifts the reading frame from glycine 38.
Molecular consequence: frameshift variant.
Genome position (GRCh38, 1-based): chr6:42,722,222, C deleted on the plus strand (G on the coding strand, the reverse complement: PRPH2 is on the minus strand); the first of 2 consecutive C bases (chr6:42,722,222-42,722,223); deleting either gives the same sequence. VCF-style (leftmost placement, unchanged base first): chr6-42722221-TC-T. GRCh37 (hg19) VCF-style: chr6-42689959-TC-T.
Other names: c.113del (NM_000322.4); short protein forms G38fs.
Identifiers: ClinVar variation 13177 (VCV000013177.16), dbSNP rs61755769, ClinGen allele CA212948.

ClinVar aggregate classification (germline): Pathogenic. Review status: criteria provided, multiple submitters, no conflicts (2 of 4 stars). 7 submissions from 7 submitters: Pathogenic (4). 3 of the submissions do not count toward it. Last evaluated 2023-11-27.

Conditions:
Vitelliform macular dystrophy 3 (VMD3). Also called: PRPH2 vitelliform macular dystrophy; vitelliform macular dystrophy caused by mutation in PRPH2. Identifiers: MedGen CN295869, MONDO:0024561, OMIM 608161.
PRPH2-related disorder. Also called: PRPH2-related disorders; PRPH2-related condition. Identifiers: MedGen CN239395.
Stargardt disease (FFM). Also called: Stargardt's disease; Fundus flavimaculatus. Identifiers: Orphanet 827, MedGen C0271093, MONDO:0019353.

Submissions (7):

Labcorp Genetics (formerly Invitae), Labcorp
Classification: Pathogenic for PRPH2-related disorder. Last evaluated: 2023-11-27. Review status: criteria provided, single submitter. Criteria: Invitae Variant Classification Sherloc (09022015). Collection method: clinical testing. Allele origin: germline.
Comment: This sequence change creates a premature translational stop signal (p.Gly38Aspfs*4) in the PRPH2 gene. It is expected to result in an absent or disrupted protein product. Loss-of-function variants in PRPH2 are known to be pathogenic (PMID: 8111389, 8485575, 8485576, 8675410, 16916875, 17504850, 22863181, 25675413, 26061163, 27365499, 29555955, 33546218). This variant is not present in population databases (gnomAD no frequency). This premature translational stop signal has been observed in individual(s) with adult-onset foveomacular dystrophy (PMID: 12566026). This variant is also known as c.112delG. ClinVar contains an entry for this variant (Variation ID: 13177). For these reasons, this variant has been classified as Pathogenic.

GeneDx
Classification: Pathogenic. Last evaluated: 2022-06-20. Review status: criteria provided, single submitter. Criteria: GeneDx Variant Classification Process June 2021. Collection method: clinical testing. Allele origin: germline. Affected: yes.
Comment: Frameshift variant predicted to result in protein truncation or nonsense mediated decay in a gene for which loss-of-function is a known mechanism of disease; Not observed at significant frequency in large population cohorts (gnomAD); This variant is associated with the following publications: (PMID: 12566026, 32531846, 32037395)

Blueprint Genetics
Classification: Pathogenic for PRPH2-related disorders. Last evaluated: 2021-07-07. Review status: criteria provided, single submitter. Criteria: ACMG Guidelines, 2015. Collection method: clinical testing. Allele origin: germline. Affected: yes. Observed: 5 variant alleles.

NEI Ophthalmic Genomics Laboratory, National Institutes of Health
Classification: Pathogenic for Stargardt disease. Last evaluated: 2020-01-07. Review status: criteria provided, single submitter. Criteria: ACMG Guidelines, 2015. Collection method: clinical testing. Allele origin: germline. Affected: yes.
Comment: The variant NM_000322.4:c.113delG in the PRPH2 gene has been previously studied (PMID 12566026). This variant is listed in dbSNP and/or HGMD (rs61755769,CD030391). It is absent in gnomAD browser. It is not enriched in the PRPH2 disease cohort. We invoked ACMG criteria [PVS1, PM2, PP1-S] and classified NM_000322.4:c.113delG in the PRPH2 gene as a Pathogenic mutation.

Leiden Open Variation Database
Classification: Pathogenic. Last evaluated: 2021-04-06. Review status: no assertion criteria provided. Collection method: curation. Allele origin: germline. Affected: yes. Not counted in ClinVar's aggregate classification.
Comment: Curator: Global Variome, with Curator vacancy. Submitter to LOVD: Manon Peeters.

OMIM
Classification: Pathogenic for MACULAR DYSTROPHY, VITELLIFORM, 3. Last evaluated: 2003-02-01. Review status: no assertion criteria provided. Collection method: literature only. Allele origin: germline. Not counted in ClinVar's aggregate classification.

Retina International
No classification provided. Review status: no classification provided. Collection method: not provided. Allele origin: unknown. Not counted in ClinVar's aggregate classification.

Literature cited by the submitters: PubMed 8111389 (cited by Labcorp Genetics (formerly Invitae), Labcorp); PubMed 8485575 (cited by Labcorp Genetics (formerly Invitae), Labcorp); PubMed 8485576 (cited by Labcorp Genetics (formerly Invitae), Labcorp); PubMed 8675410 (cited by Labcorp Genetics (formerly Invitae), Labcorp); PubMed 16916875 (cited by Labcorp Genetics (formerly Invitae), Labcorp); PubMed 17504850 (cited by Labcorp Genetics (formerly Invitae), Labcorp); PubMed 22863181 (cited by Labcorp Genetics (formerly Invitae), Labcorp); PubMed 25675413 (cited by Labcorp Genetics (formerly Invitae), Labcorp); PubMed 26061163 (cited by Labcorp Genetics (formerly Invitae), Labcorp); PubMed 27365499 (cited by Labcorp Genetics (formerly Invitae), Labcorp); PubMed 29555955 (cited by Labcorp Genetics (formerly Invitae), Labcorp); PubMed 33546218 (cited by Labcorp Genetics (formerly Invitae), Labcorp); PubMed 12566026 (cited by 3 submitters); PubMed 17249552 (cited by Leiden Open Variation Database); PubMed 32531846 (cited by Leiden Open Variation Database).